The following is an entry in ClinVar:

ClinVar aggregate classification (germline): Uncertain significance. Review status: criteria provided, multiple submitters, no conflicts (2 of 4 stars). 4 submissions from 4 submitters: Uncertain significance (4). Last evaluated 2023-11-14.

Allele frequency attached by ClinVar (database versions not stated): TOPMed 0.00021.

Submissions (4):

Women's Health and Genetics/Laboratory Corporation of America, LabCorp
Classification: Uncertain significance. Last evaluated: 2023-11-14. Review status: criteria provided, single submitter. Criteria: LabCorp Variant Classification Summary - May 2015. Collection method: clinical testing. Allele origin: germline.
Comment: Variant summary: TRIOBP c.5890C>G (p.Arg1964Gly) results in a non-conservative amino acid change in the encoded protein sequence. Three of five in-silico tools predict a damaging effect of the variant on protein function. The variant allele was found at a frequency of 0.00013 in 149412 control chromosomes. To our knowledge, no occurrence of c.5890C>G in individuals affected with Autosomal Recessive Nonsyndromic Hearing Loss 28 and no experimental evidence demonstrating its impact on protein function have been reported. Two submitters have cited clinical-significance assessments for this variant to ClinVar after 2014. Both submitters classified the variant as uncertain significance. Based on the evidence outlined above, the variant was classified as uncertain significance.

Labcorp Genetics (formerly Invitae), Labcorp
Classification: Uncertain significance. Last evaluated: 2022-06-13. Review status: criteria provided, single submitter. Criteria: Invitae Variant Classification Sherloc (09022015). Collection method: clinical testing. Allele origin: germline.
Comment: This sequence change replaces arginine, which is basic and polar, with glycine, which is neutral and non-polar, at codon 1964 of the TRIOBP protein (p.Arg1964Gly). This variant is present in population databases (rs565618931, gnomAD 0.03%). This variant has not been reported in the literature in individuals affected with TRIOBP-related conditions. ClinVar contains an entry for this variant (Variation ID: 930173). Algorithms developed to predict the effect of missense changes on protein structure and function are either unavailable or do not agree on the potential impact of this missense change (SIFT: "Deleterious"; PolyPhen-2: "Probably Damaging"; Align-GVGD: "Class C0"). In summary, the available evidence is currently insufficient to determine the role of this variant in disease. Therefore, it has been classified as a Variant of Uncertain Significance.

Blueprint Genetics
Classification: Uncertain significance. Last evaluated: 2022-05-23. Review status: criteria provided, single submitter. Criteria: ACMG Guidelines, 2015. Collection method: clinical testing. Allele origin: germline.

Laboratory for Molecular Medicine, Mass General Brigham Personalized Medicine
Classification: Uncertain significance. Last evaluated: 2020-01-15. Review status: criteria provided, single submitter. Criteria: LMM Criteria. Collection method: clinical testing. Allele origin: germline. Observed: 1 variant allele.
Comment: The p.Arg1964Gly variant in TRIOBP has not been previously reported in individuals with hearing loss but has been identified in 0.03% (21/71742) of European chromosomes by gnomAD. Computational prediction tools and conservation analysis suggest that this variant may impact the protein, though this information is not predictive enough to determine pathogenicity. In summary, the clinical significance of this variant is uncertain. ACMG/AMP Criteria applied: PP3, PM2_Supporting.

NM_001039141.3(TRIOBP):c.5890C>G (p.Arg1964Gly)

Gene: TRIOBP (TRIO and F-actin binding protein; plus strand). Cytogenetic location: 22q13.1.
Variant type: single nucleotide variant.
Coding change: c.5890C>G on transcript NM_001039141.3 (MANE Select); coding-DNA position 5890, C replaced by G.
Protein change: p.Arg1964Gly; replaces arginine 1964 with glycine.
Molecular consequence: missense variant.
Genome position (GRCh38, 1-based): chr22:37,757,815, C>G. VCF-style: chr22-37757815-C-G. GRCh37 (hg19) VCF-style: chr22-38153822-C-G.
Other names: c.751C>G, p.Arg251Gly (NM_007032.5, NM_138632.2); short protein forms R1964G, R251G.
Identifiers: ClinVar variation 930173 (VCV000930173.8), dbSNP rs565618931, ClinGen allele CA10224841.
Genomic context (GRCh38, chr22:37,757,815, plus strand): 5'-GACTACGTGGAGCTCTCGCCGCTGACCCAGGCTTCCCCGCAGCGGGCCCGCACCCCAGCC[C>G]GCACTCCTGACCGCCTGGCCAAGCAGGAGGAGCTGGAGCGGGACCTGGCCCAGCGCTCCG-3'
Protein context (NP_001034230.1, residues 1954-1974): ASPQRARTPA[Arg1964Gly]TPDRLAKQEE